The following is an entry in ClinVar:

NM_080669.6(SLC46A1):c.*4884G>T

Genes: SARM1 (sterile alpha and TIR motif containing 1; plus strand), SLC46A1 (solute carrier family 46 member 1; minus strand). Cytogenetic location: 17q11.2.
Variant type: single nucleotide variant.
Coding change: c.*4884G>T on transcript NM_080669.6 (MANE Select); 4884 bases downstream of the stop codon, G replaced by T.
Molecular consequence: 3 prime UTR variant. On other transcripts: intron variant (1).
Genome position (GRCh38, 1-based): chr17:28,394,772, C>A on the plus strand (G>T on the coding strand, the complement: SLC46A1 is on the minus strand). VCF-style: chr17-28394772-C-A. GRCh37 (hg19) VCF-style: chr17-26721791-C-A.
Other names: c.*4884G>T (NM_001242366.3); c.1924-1133C>A (NM_015077.4).
Identifiers: ClinVar variation 322335 (VCV000322335.6), dbSNP rs1128162, ClinGen allele CA10645151.
Genomic context (GRCh38, chr17:28,394,772, plus strand): 5'-TAGAGTTTCTTTGAGTGCAAAGTTTGAGAATAGCCACCCAGTAAGCATTGACTCCAAAGG[C>A]ATGGGGTGAGCATTCCAAACTGGAGAAGTTAAGGTTTCACTTCCACAGGCAAAGAGAGAG-3'

ClinVar aggregate classification (germline): Benign. Review status: criteria provided, multiple submitters, no conflicts (2 of 4 stars). 2 submissions from 2 submitters: Benign (2). Last evaluated 2018-01-13.

Conditions:
Congenital defect of folate absorption. Also called: Hereditary Folate Malabsorption. Identifiers: Orphanet 90045, MedGen C0342705, MONDO:0009238, OMIM 229050.

Allele frequency attached by ClinVar (database versions not stated): gnomAD 0.59612 and 0.59676; 1000 Genomes Project 0.61741; TOPMed 0.61852; 1000 Genomes Project 30x 0.62336.

Submissions (2):

Illumina Laboratory Services, Illumina
Classification: Benign for Congenital defect of folate absorption. Last evaluated: 2018-01-13. Review status: criteria provided, single submitter. Criteria: ICSL Variant Classification Criteria 13 December 2019. Collection method: clinical testing. Allele origin: germline.
Comment: This variant was observed in the ICSL laboratory as part of a predisposition screen in an ostensibly healthy population. It had not been previously curated by ICSL or reported in the Human Gene Mutation Database (HGMD: prior to June 1st, 2018), and was therefore a candidate for classification through an automated scoring system. Utilizing variant allele frequency, disease prevalence and penetrance estimates, and inheritance mode, an automated score was calculated to assess if this variant is too frequent to cause the disease. Based on the score and internal cut-off values, a variant classified as benign is not then subjected to further curation. The score for this variant resulted in a classification of benign for this disease.

Breakthrough Genomics
Classification: Benign. Review status: criteria provided, single submitter. Criteria: ACMG Guidelines, 2015. Collection method: not provided. Allele origin: germline. Inheritance: Autosomal recessive inheritance. Affected: yes.